The following is an entry in ClinVar:

ClinVar aggregate classification (germline): Uncertain significance. Review status: criteria provided, multiple submitters, no conflicts (2 of 4 stars). 6 submissions from 6 submitters: Uncertain significance (6). Last evaluated 2026-09-03.

Conditions:
FANCM-related disorder. Also called: FANCM-related condition.
Spermatogenic failure 28. Identifiers: MedGen C4748117, MONDO:0054732, OMIM 618086.
Premature ovarian failure 15. Identifiers: MedGen C4748170, MONDO:0054862, OMIM 618096.
Fanconi anemia (FA). Also called: Fanconi's anemia. Identifiers: Orphanet 84, MedGen C0015625, MeSH D005199, MONDO:0019391.

Allele frequency attached by ClinVar (database versions not stated): gnomAD 0.00002 and 0.00004; TOPMed 0.00003; gnomAD exomes 0.00007 and 0.00011; ESP Exome Variant Server 0.00008; ExAC 0.00012.

Submissions (6):

PreventionGenetics, part of Exact Sciences
Classification: Uncertain significance for FANCM-related condition. Last evaluated: 2026-09-03. Review status: criteria provided, single submitter. Criteria: ACMG Guidelines, 2015. Collection method: clinical testing. Allele origin: germline.
Comment: The FANCM c.3935T>C variant is predicted to result in the amino acid substitution p.Leu1312Pro. This variant was previously reported in an individual with breast or ovarian cancer (Nguyen-Dumont et al. 2018. PubMed ID: 29351780). This variant is reported in 0.062% of alleles in individuals of South Asian descent in gnomAD and is interpreted as uncertain in ClinVar. At this time, the clinical significance of this variant is uncertain due to the absence of conclusive functional and genetic evidence.

Labcorp Genetics (formerly Invitae), Labcorp
Classification: Uncertain significance for Fanconi anemia. Last evaluated: 2025-11-01. Review status: criteria provided, single submitter. Criteria: Invitae Variant Classification Sherloc (09022015). Collection method: clinical testing. Allele origin: germline.
Comment: This sequence change replaces leucine, which is neutral and non-polar, with proline, which is neutral and non-polar, at codon 1312 of the FANCM protein (p.Leu1312Pro). This variant is present in population databases (rs200028975, gnomAD 0.06%). This missense change has been observed in individual(s) with breast or ovarian cancer (PMID: 29351780). ClinVar contains an entry for this variant (Variation ID: 859219). An algorithm developed to predict the effect of missense changes on protein structure and function outputs the following: PolyPhen-2: "Benign". The proline amino acid residue is found in multiple mammalian species, which suggests that this missense change does not adversely affect protein function. In summary, the available evidence is currently insufficient to determine the role of this variant in disease. Therefore, it has been classified as a Variant of Uncertain Significance.

Dasa
Classification: Uncertain significance. Last evaluated: 2025-06-23. Review status: criteria provided, single submitter. Criteria: DASA Assertion Criteria. Collection method: clinical testing. Allele origin: germline.
Comment: NM_020937.4(FANCM):c.3935T>C (p.Leu1312Pro) is a missense variant that results in the substitution of leucine with proline. Published studies describe this variant in association with related phenotype (PMID: 31991861). Also, this variant is rare in population databases. Computational prediction algorithms are consistent with a benign effect. The currently available literature and clinical evidence are not sufficient to establish a definitive association between this variant and the reported condition. Therefore, this variant is classified as a variant of uncertain significance.

Quest Diagnostics Nichols Institute San Juan Capistrano
Classification: Uncertain significance. Last evaluated: 2025-06-04. Review status: criteria provided, single submitter. Criteria: Quest Diagnostics criteria. Collection method: clinical testing. Allele origin: unknown.
Comment: The FANCM c.3935T>C (p.Leu1312Pro) variant has been reported in the published literature in individuals with head and neck squamous cell carcinoma (PMID: 28678401 (2017)), breast or ovarian cancer (PMID: 29351780 (2018), 28881617 (2017), 36707629 (2023), 33471991 (2021), see also LOVD), and in reportedly unaffected individuals (PMID: 36707629 (2023), 33471991 (2021), see also LOVD). The frequency of this variant in the general population (Genome Aggregation Database) is uninformative in the assessment of its pathogenicity. Analysis of this variant using bioinformatics tools for the prediction of the effect of amino acid changes on protein structure and function yielded predictions that this variant is benign. Based on the available information, we are unable to determine the clinical significance of this variant.

Fulgent Genetics
Classification: Uncertain significance for Spermatogenic failure 28; Premature ovarian failure 15. Last evaluated: 2024-04-27. Review status: criteria provided, single submitter. Criteria: ACMG Guidelines, 2015. Collection method: clinical testing. Allele origin: germline.

GeneDx
Classification: Uncertain significance. Last evaluated: 2024-03-11. Review status: criteria provided, single submitter. Criteria: GeneDx Variant Classification Process June 2021. Collection method: clinical testing. Allele origin: germline. Affected: yes.
Comment: In silico analysis supports that this missense variant does not alter protein structure/function; Observed in individuals with breast, ovarian, or other cancers (PMID: 28678401, 28881617, 29351780); This variant is associated with the following publications: (PMID: 29351780, 28881617, 28678401)

Literature cited by the submitters: PubMed 29351780 (cited by Labcorp Genetics (formerly Invitae), Labcorp and Quest Diagnostics Nichols Institute San Juan Capistrano); PubMed 31991861 (cited by Dasa); PubMed 33471991 (cited by Quest Diagnostics Nichols Institute San Juan Capistrano); PubMed 28678401 (cited by Quest Diagnostics Nichols Institute San Juan Capistrano); PubMed 36707629 (cited by Quest Diagnostics Nichols Institute San Juan Capistrano); PubMed 28881617 (cited by Quest Diagnostics Nichols Institute San Juan Capistrano).

NM_020937.4(FANCM):c.3935T>C (p.Leu1312Pro)

Gene: FANCM (FA complementation group M; plus strand). Cytogenetic location: 14q21.2.
Variant type: single nucleotide variant.
Coding change: c.3935T>C on transcript NM_020937.4 (MANE Select); coding-DNA position 3935, T replaced by C.
Protein change: p.Leu1312Pro; replaces leucine 1312 with proline.
Molecular consequence: missense variant.
Genome position (GRCh38, 1-based): chr14:45,176,689, T>C. VCF-style: chr14-45176689-T-C. GRCh37 (hg19) VCF-style: chr14-45645892-T-C.
Other names: c.3935T>C (NM_020937.3); c.3857T>C, p.Leu1286Pro (NM_001308133.2); short protein forms L1286P, L1312P.
Identifiers: ClinVar variation 859219 (VCV000859219.21), dbSNP rs200028975, ClinGen allele CA7169601.
Genomic context (GRCh38, chr14:45,176,689, plus strand): 5'-GAACTGTTATTATCCCATCAAATGAAGATATGCAGAATCCAAATTATGTACATTTGCCAC[T>C]GAGTGCAGCAAAAAATGAAGAATTGTTATCTCCTGGTTATTCTCAGTTTTCTTTACCAGT-3'
Protein context (NP_065988.1, residues 1302-1322): MQNPNYVHLP[Leu1312Pro]SAAKNEELLS